The following is an entry in ClinVar:

ClinVar aggregate classification (germline): Uncertain significance. Review status: reviewed by expert panel (3 of 4 stars). 2 submissions from 2 submitters: Uncertain significance (1). 1 of the submissions does not count toward it. Last evaluated 2024-02-15.

Conditions:
Severe combined immunodeficiency due to DCLRE1C deficiency (RS-SCID). Also called: SCID, AUTOSOMAL RECESSIVE, T CELL-NEGATIVE, B CELL-NEGATIVE, NK CELL-POSITIVE, WITH SENSITIVITY TO IONIZING RADIATION. Identifiers: Orphanet 275, MedGen C1865371, MONDO:0011225, OMIM 602450.

Allele frequency attached by ClinVar (database versions not stated): TOPMed 0.00002; gnomAD 0.00001; gnomAD exomes 0.00001.
gnomAD v4.1: 13 of 1,614,028 alleles (0.00081%); highest among the groups gnomAD compares: Non-Finnish European, 0.0011%; no homozygotes.

Submissions (2):

ClinGen Severe Combined Immunodeficiency Variant Curation Expert Panel, ClinGen
Classification: Uncertain significance for Severe combined immunodeficiency due to DCLRE1C deficiency. Last evaluated: 2024-02-15. Review status: reviewed by expert panel. Criteria: ClinGen SCID ACMG Specifications DCLRE1C V1.0.0. Collection method: curation. Allele origin: germline. Inheritance: Autosomal recessive inheritance.
Comment: The c.614A>T (NM_001033855.3) variant in DCLRE1C is a missense variant predicted to cause substitution of Asparagine by Isoleucine at amino acid 205 (p.Asn205Ile). The filtering allele frequency (the upper threshold of the 95% CI of 13/1180046 alleles) of the c.614A>T variant in DCLRE1C is 0.000005750 for European (non-Finnish) chromosomes by gnomAD v4, which is lower than the ClinGen SCID VCEP threshold (<0.00003266) for PM2_Supporting, and therefore meets this criterion (PM2_Supporting). No homozygotes have been observed in gnomAD. To our knowledge, this variant has not been reported in the literature in individuals affected with SCID/DCLRE1C-related conditions or in functional studies. In summary, this variant meets the criteria to be classified as a variant of uncertain significance for autosomal recessive severe combined immunodeficiency due to DCLRE1C deficiency based on the ACMG/AMP criteria applied, as specified by the ClinGen SCID VCEP: PM2_Supporting (VCEP specifications version 1).

Labcorp Genetics (formerly Invitae), Labcorp
Classification: Uncertain significance for Athabaskan severe combined immunodeficiency. Last evaluated: 2020-02-26. Review status: criteria provided, single submitter. Criteria: Invitae Variant Classification Sherloc (09022015). Collection method: clinical testing. Allele origin: germline. Not counted in ClinVar's aggregate classification.
Comment: In summary, the available evidence is currently insufficient to determine the role of this variant in disease. Therefore, it has been classified as a Variant of Uncertain Significance. Algorithms developed to predict the effect of missense changes on protein structure and function are either unavailable or do not agree on the potential impact of this missense change (SIFT: "Deleterious"; PolyPhen-2: "Possibly Damaging"; Align-GVGD: "Class C15"). This variant has not been reported in the literature in individuals with DCLRE1C-related conditions. This sequence change replaces asparagine with isoleucine at codon 205 of the DCLRE1C protein (p.Asn205Ile). The asparagine residue is highly conserved and there is a large physicochemical difference between asparagine and isoleucine. This variant is not present in population databases (ExAC no frequency).

NM_001033855.3(DCLRE1C):c.614A>T (p.Asn205Ile)

Gene: DCLRE1C (DNA cross-link repair 1C; minus strand). Cytogenetic location: 10p13.
Variant type: single nucleotide variant.
Coding change: c.614A>T on transcript NM_001033855.3 (MANE Select); coding-DNA position 614, A replaced by T.
Protein change: p.Asn205Ile; replaces asparagine 205 with isoleucine.
Molecular consequence: missense variant. On other transcripts: non-coding transcript variant (4).
Genome position (GRCh38, 1-based): chr10:14,934,444, T>A on the plus strand (A>T on the coding strand, the complement: DCLRE1C is on the minus strand). VCF-style: chr10-14934444-T-A. GRCh37 (hg19) VCF-style: chr10-14976443-T-A.
Other names: NM_001033855.3(DCLRE1C):c.614A>T; p.Asn205Ile; c.254A>T, p.Asn85Ile (NM_001033857.3, NM_001033858.3, NM_001289077.2 and 2 more transcripts); c.269A>T, p.Asn90Ile (NM_001289076.2, NM_001289078.2, NM_001350966.2 and 1 more transcripts); c.614A>T, p.Asn205Ile (NM_001350965.2); short protein forms N205I, N85I, N90I.
Identifiers: ClinVar variation 1057857 (VCV001057857.9), dbSNP rs762532423, ClinGen allele CA203395661.